The following is an entry in ClinVar:

NM_004260.4(RECQL4):c.2755+9C>G

Gene: RECQL4 (RecQ like helicase 4; minus strand). Cytogenetic location: 8q24.3.
Variant type: single nucleotide variant.
Coding change: c.2755+9C>G on transcript NM_004260.4 (MANE Select); 9 bases into the intron after coding-DNA position 2755, C replaced by G.
Molecular consequence: intron variant. On other transcripts: missense variant (3).
Genome position (GRCh38, 1-based): chr8:144,512,838, G>C on the plus strand (C>G on the coding strand, the complement: RECQL4 is on the minus strand). VCF-style: chr8-144512838-G-C. GRCh37 (hg19) VCF-style: chr8-145738221-G-C.
Other names: c.2764C>G, p.Pro922Ala (NM_001413019.1); c.1693C>G, p.Pro565Ala (NM_001413023.1); c.1627C>G, p.Pro543Ala (NM_001413041.1); short protein forms P565A, P543A, P922A.
Identifiers: ClinVar variation 2034162 (VCV002034162.4), dbSNP rs749496256, ClinGen allele CA2580078835.

ClinVar aggregate classification (germline): Uncertain significance (1 of 4 stars; one submission).

Conditions:
Baller-Gerold syndrome (BGS). Also called: CRANIOSYNOSTOSIS WITH RADIAL DEFECTS. Identifiers: Orphanet 1225, MedGen C0265308, MONDO:0009039, OMIM 218600.

Submission:

Labcorp Genetics (formerly Invitae), Labcorp
Classification: Uncertain significance for Baller-Gerold syndrome. Last evaluated: 2022-10-05. Review status: criteria provided, single submitter. Criteria: Invitae Variant Classification Sherloc (09022015). Collection method: clinical testing. Allele origin: germline.
Comment: Experimental studies and prediction algorithms are not available or were not evaluated, and the effect of this variant on mRNA splicing is currently unknown. This sequence change falls in intron 15 of the RECQL4 gene. It does not directly change the encoded amino acid sequence of the RECQL4 protein. This variant is not present in population databases (gnomAD no frequency). This variant has not been reported in the literature in individuals affected with RECQL4-related conditions. In summary, the available evidence is currently insufficient to determine the role of this variant in disease. Therefore, it has been classified as a Variant of Uncertain Significance.